The following is an entry in ClinVar:

NM_016343.4(CENPF):c.5462A>G (p.Lys1821Arg)

Gene: CENPF (centromere protein F; plus strand). Cytogenetic location: 1q41.
Variant type: single nucleotide variant.
Coding change: c.5462A>G on transcript NM_016343.4 (MANE Select); coding-DNA position 5462, A replaced by G.
Protein change: p.Lys1821Arg; replaces lysine 1821 with arginine.
Molecular consequence: missense variant.
Genome position (GRCh38, 1-based): chr1:214,645,032, A>G. VCF-style: chr1-214645032-A-G. GRCh37 (hg19) VCF-style: chr1-214818375-A-G.
Other names: short protein forms K1821R.
Identifiers: ClinVar variation 4696137 (VCV004696137.1).

ClinVar aggregate classification (germline): Uncertain significance (1 of 4 stars; one submission).

gnomAD v4.1: 4 of 1,613,896 alleles (0.00025%); highest among the groups gnomAD compares: East Asian, 0.0022%; no homozygotes.

Submission:

Labcorp Genetics (formerly Invitae), Labcorp
Classification: Uncertain significance. Last evaluated: 2025-04-12. Review status: criteria provided, single submitter. Criteria: Invitae Variant Classification Sherloc (09022015). Collection method: clinical testing. Allele origin: germline.
Comment: This sequence change replaces lysine, which is basic and polar, with arginine, which is basic and polar, at codon 1821 of the CENPF protein (p.Lys1821Arg). This variant is not present in population databases (gnomAD no frequency). This variant has not been reported in the literature in individuals affected with CENPF-related conditions. An algorithm developed to predict the effect of missense changes on protein structure and function (PolyPhen-2) suggests that this variant is likely to be disruptive. In summary, the available evidence is currently insufficient to determine the role of this variant in disease. Therefore, it has been classified as a Variant of Uncertain Significance.